The following is an entry in ClinVar:

NM_006361.6(HOXB13):c.316_330del (p.Leu106_Pro110del)

Gene: HOXB13 (homeobox B13; minus strand). Cytogenetic location: 17q21.32.
Variant type: Deletion.
Coding change: c.316_330del on transcript NM_006361.6 (MANE Select); coding-DNA positions 316 to 330, 15 bases deleted (CTGGCCGCGTACCCC).
Protein change: p.Leu106_Pro110del.
Molecular consequence: inframe deletion.
Genome position (GRCh38, 1-based): chr17:48,728,264-48,728,278, GGGGTACGCGGCCAG deleted on the plus strand (CTGGCCGCGTACCCC on the coding strand, the reverse complement: HOXB13 is on the minus strand); deleting any 15 consecutive bases within chr17:48,728,264-48,728,280 gives the same sequence; the c. name uses the placement nearest the transcript's 3' end. VCF-style (leftmost placement, unchanged base first): chr17-48728263-CGGGGTACGCGGCCAG-C. GRCh37 (hg19) VCF-style: chr17-46805625-CGGGGTACGCGGCCAG-C.
Identifiers: ClinVar variation 2752332 (VCV002752332.3), dbSNP rs2509515328, ClinGen allele CA2697560053.

ClinVar aggregate classification (germline): Uncertain significance (1 of 4 stars; one submission).

Submission:

Labcorp Genetics (formerly Invitae), Labcorp
Classification: Uncertain significance. Last evaluated: 2023-08-14. Review status: criteria provided, single submitter. Criteria: Invitae Variant Classification Sherloc (09022015). Collection method: clinical testing. Allele origin: germline.
Comment: Experimental studies and prediction algorithms are not available or were not evaluated, and the functional significance of this variant is currently unknown. In summary, the available evidence is currently insufficient to determine the role of this variant in disease. Therefore, it has been classified as a Variant of Uncertain Significance. This variant has not been reported in the literature in individuals affected with HOXB13-related conditions. This variant, c.316_330del, results in the deletion of 5 amino acid(s) of the HOXB13 protein (p.Leu106_Pro110del), but otherwise preserves the integrity of the reading frame. This variant is not present in population databases (gnomAD no frequency).